The following is an entry in ClinVar:

NM_006440.5(TXNRD2):c.1301T>C (p.Leu434Pro)

Gene: TXNRD2 (thioredoxin reductase 2; minus strand). Cytogenetic location: 22q11.21.
Variant type: single nucleotide variant.
Coding change: c.1301T>C on transcript NM_006440.5 (MANE Select); coding-DNA position 1301, T replaced by C.
Protein change: p.Leu434Pro; replaces leucine 434 with proline.
Molecular consequence: missense variant. On other transcripts: non-coding transcript variant (1).
Genome position (GRCh38, 1-based): chr22:19,878,412, A>G on the plus strand (T>C on the coding strand, the complement: TXNRD2 is on the minus strand). VCF-style: chr22-19878412-A-G. GRCh37 (hg19) VCF-style: chr22-19865935-A-G.
Other names: c.1298T>C, p.Leu433Pro (NM_001352300.2); c.1211T>C, p.Leu404Pro (NM_001352301.2); c.1013T>C, p.Leu338Pro (NM_001352302.2); short protein forms L404P, L433P, L434P, L338P.
Identifiers: ClinVar variation 1478791 (VCV001478791.6), dbSNP rs2145927851, ClinGen allele CA410692266.

ClinVar aggregate classification (germline): Uncertain significance (1 of 4 stars; one submission).

Conditions:
Primary dilated cardiomyopathy (DCM). Also called: Dilated Cardiomyopathy. Identifiers: Orphanet 217604, MedGen C0007193, MeSH D002311, MONDO:0005021, HP:0001644. Inheritance: Various modes of inheritance.

Allele frequency attached by ClinVar (database versions not stated): gnomAD exomes below 0.00001.
gnomAD v4.1: 1 of 1,613,764 alleles (0.000062%); highest among the groups gnomAD compares: Non-Finnish European, 0.000085%; no homozygotes.

Submission:

Labcorp Genetics (formerly Invitae), Labcorp
Classification: Uncertain significance for Primary dilated cardiomyopathy. Last evaluated: 2021-02-11. Review status: criteria provided, single submitter. Criteria: Invitae Variant Classification Sherloc (09022015). Collection method: clinical testing. Allele origin: germline.
Comment: This variant is not present in population databases (ExAC no frequency). In summary, the available evidence is currently insufficient to determine the role of this variant in disease. Therefore, it has been classified as a Variant of Uncertain Significance. Algorithms developed to predict the effect of missense changes on protein structure and function are either unavailable or do not agree on the potential impact of this missense change (SIFT: "Deleterious"; PolyPhen-2: "Probably Damaging"; Align-GVGD: "Class C0"). This variant has not been reported in the literature in individuals with TXNRD2-related conditions. This sequence change replaces leucine with proline at codon 434 of the TXNRD2 protein (p.Leu434Pro). The leucine residue is moderately conserved and there is a moderate physicochemical difference between leucine and proline.